The following is an entry in ClinVar:

ClinVar aggregate classification (germline): Uncertain significance. Review status: criteria provided, multiple submitters, no conflicts (2 of 4 stars). 5 submissions from 4 submitters: Uncertain significance (5). Last evaluated 2023-07-25.

Conditions:
Familial juvenile hyperuricemic nephropathy type 2 (ADTKD4). Also called: Autosomal Dominant Tubulointerstitial Kidney Disease – REN; EARLY-ONSET HYPERURICEMIA, ANEMIA, AND PROGRESSIVE KIDNEY FAILURE. Identifiers: Orphanet 217330, MedGen C2751310, MONDO:0013128, OMIM 613092.
Renal tubular dysgenesis of genetic origin. Also called: PRIMITIVE RENAL TUBULE SYNDROME. Identifiers: Orphanet 97369, MedGen C5681536, MONDO:0009970, OMIM 267430.
Inborn genetic diseases. Identifiers: MedGen C0950123, MeSH D030342.
Renal tubular dysgenesis. Also called: Renotubular dysgenesis. Identifiers: Orphanet 3033, MedGen C0266313, MONDO:0017609, HP:0008660.

Allele frequency attached by ClinVar (database versions not stated): gnomAD exomes 0.00002 and 0.00004; gnomAD 0.00003 and 0.00004; TOPMed 0.00003; ExAC 0.00004.
gnomAD v4.1: 65 of 1,613,978 alleles (0.004%); highest among the groups gnomAD compares: Non-Finnish European, 0.0052%; no homozygotes.

Submissions (5):

Ambry Genetics
Classification: Uncertain significance for Inborn genetic diseases. Last evaluated: 2023-07-25. Review status: criteria provided, single submitter. Criteria: Ambry Variant Classification Scheme 2023. Collection method: clinical testing. Allele origin: germline.

Labcorp Genetics (formerly Invitae), Labcorp
Classification: Uncertain significance. Last evaluated: 2023-03-27. Review status: criteria provided, single submitter. Criteria: Invitae Variant Classification Sherloc (09022015). Collection method: clinical testing. Allele origin: germline.
Comment: ClinVar contains an entry for this variant (Variation ID: 874723). In summary, the available evidence is currently insufficient to determine the role of this variant in disease. Therefore, it has been classified as a Variant of Uncertain Significance. Advanced modeling of protein sequence and biophysical properties (such as structural, functional, and spatial information, amino acid conservation, physicochemical variation, residue mobility, and thermodynamic stability) performed at Invitae indicates that this missense variant is expected to disrupt REN protein function. This variant has not been reported in the literature in individuals affected with REN-related conditions. This variant is present in population databases (rs776733175, gnomAD 0.007%). This sequence change replaces glycine, which is neutral and non-polar, with arginine, which is basic and polar, at codon 240 of the REN protein (p.Gly240Arg).

Fulgent Genetics
Classification: Uncertain significance for Renal tubular dysgenesis of genetic origin; Familial juvenile hyperuricemic nephropathy type 2. Last evaluated: 2022-03-18. Review status: criteria provided, single submitter. Criteria: ACMG Guidelines, 2015. Collection method: clinical testing. Allele origin: unknown.

Illumina Laboratory Services, Illumina
Classification: Uncertain significance for Renal tubular dysgenesis of genetic origin. Last evaluated: 2018-01-12. Review status: criteria provided, single submitter. Criteria: ICSL Variant Classification Criteria 13 December 2019. Collection method: clinical testing. Allele origin: germline.

Illumina Laboratory Services, Illumina
Classification: Uncertain significance for Familial juvenile hyperuricemic nephropathy type 2. Last evaluated: 2018-01-12. Review status: criteria provided, single submitter. Criteria: ICSL Variant Classification Criteria 13 December 2019. Collection method: clinical testing. Allele origin: germline.

NM_000537.4(REN):c.718G>A (p.Gly240Arg)

Gene: REN (renin; minus strand). Cytogenetic location: 1q32.1.
Variant type: single nucleotide variant.
Coding change: c.718G>A on transcript NM_000537.4 (MANE Select); coding-DNA position 718, G replaced by A.
Protein change: p.Gly240Arg; replaces glycine 240 with arginine.
Molecular consequence: missense variant.
Genome position (GRCh38, 1-based): chr1:204,156,777, C>T on the plus strand (G>A on the coding strand, the complement: REN is on the minus strand). VCF-style: chr1-204156777-C-T. GRCh37 (hg19) VCF-style: chr1-204125905-C-T.
Other names: short protein forms G240R.
Identifiers: ClinVar variation 874723 (VCV000874723.10), dbSNP rs776733175, ClinGen allele CA1344806.